The following is an entry in ClinVar:

NM_001130987.2(DYSF):c.5849G>A (p.Trp1950Ter)

Gene: DYSF (dysferlin; plus strand). Cytogenetic location: 2p13.2.
Variant type: single nucleotide variant.
Coding change: c.5849G>A on transcript NM_001130987.2 (MANE Select); coding-DNA position 5849, G replaced by A.
Protein change: p.Trp1950Ter; replaces tryptophan 1950 with a stop codon.
Molecular consequence: nonsense.
Genome position (GRCh38, 1-based): chr2:71,674,261, G>A. VCF-style: chr2-71674261-G-A. GRCh37 (hg19) VCF-style: chr2-71901391-G-A.
Other names: c.5735G>A, p.Trp1912Ter (NM_001130455.2); c.5690G>A, p.Trp1897Ter (NM_001130976.2); c.5753G>A, p.Trp1918Ter (NM_001130977.2); c.5795G>A, p.Trp1932Ter (NM_001130978.2); c.5825G>A, p.Trp1942Ter (NM_001130979.2); c.5783G>A, p.Trp1928Ter (NM_001130980.2); c.5846G>A, p.Trp1949Ter (NM_001130981.2); c.5828G>A, p.Trp1943Ter (NM_001130982.2); and 5 more; short protein forms W1897*, W1898*, W1911*, W1912*, W1918*, W1919*, W1928*, W1929*.
Identifiers: ClinVar variation 1326969 (VCV001326969.3), dbSNP rs2152961374, ClinGen allele CA347225292.

ClinVar aggregate classification (germline): Pathogenic (1 of 4 stars; one submission).

Conditions:
Autosomal recessive limb-girdle muscular dystrophy. Identifiers: Orphanet 102015, MedGen C2931907, MONDO:0015152.

gnomAD v4.1: 3 of 1,614,236 alleles (0.00019%); highest among the groups gnomAD compares: Non-Finnish European, 0.00025%; no homozygotes.

Submission:

Molecular Genetics, Royal Melbourne Hospital
Classification: Pathogenic for Autosomal recessive limb-girdle muscular dystrophy. Last evaluated: 2021-11-11. Review status: criteria provided, single submitter. Criteria: ACMG Guidelines, 2015. Collection method: clinical testing. Allele origin: germline. Affected: yes.
Comment: This sequence change in DYSF is a nonsense variant predicted to cause a premature stop codon, p.(Trp1911*) in biologically-relevant-exon 51/55 leading to nonsense mediated decay in a gene in which loss-of-function is an established disease mechanism (ClinGen). This variant is absent from gnomAD v2.1 and v3.1. To our knowledge, this variant has not been reported in the literature in any individuals with dysferinopathy. This variant has been observed in trans with the variant c.5668-7G>A which is classified as pathogenic in an individual with dysferlinopathy (Royal Melbourne Hospital). The phase of the variants was confirmed by the sequence data. Based on the classification scheme RMH Modified ACMG Guidelines v1.4.0, this variant is classified as PATHOGENIC. Following criteria are met: PVS1, PM3, PM2_Supporting.